The following is an entry in ClinVar:

NM_000059.4(BRCA2):c.5810C>A (p.Ser1937Tyr)

Gene: BRCA2 (BRCA2 DNA repair associated; plus strand). Cytogenetic location: 13q13.1.
Variant type: single nucleotide variant.
Coding change: c.5810C>A on transcript NM_000059.4 (MANE Select); coding-DNA position 5810, C replaced by A.
Protein change: p.Ser1937Tyr; replaces serine 1937 with tyrosine.
Molecular consequence: missense variant. On other transcripts: non-coding transcript variant (1), intron variant (2).
Genome position (GRCh38, 1-based): chr13:32,340,165, C>A. VCF-style: chr13-32340165-C-A. GRCh37 (hg19) VCF-style: chr13-32914302-C-A.
Other names: c.5810C>A, p.Ser1937Tyr (NM_001406719.1, NM_001406720.1, NM_001432077.1); c.1910-4393C>A (NM_001406721.1); c.425-4393C>A (NM_001406722.1); short protein forms S1937Y.
Identifiers: ClinVar variation 4629415 (VCV004629415.1).

ClinVar aggregate classification (germline): Uncertain significance (1 of 4 stars; one submission).

Conditions:
Hereditary cancer-predisposing syndrome. Also called: Neoplastic Syndromes, Hereditary; Tumor predisposition; Hereditary Cancer Syndrome; Hereditary neoplastic syndrome. Identifiers: Orphanet 140162, MedGen C0027672, MeSH D009386, MONDO:0015356.

Submission:

Ambry Genetics
Classification: Uncertain significance for Hereditary cancer-predisposing syndrome. Last evaluated: 2025-11-28. Review status: criteria provided, single submitter. Criteria: Ambry Variant Classification Scheme 2023. Collection method: clinical testing. Allele origin: germline.
Comment: The p.S1937Y variant (also known as c.5810C>A), located in coding exon 10 of the BRCA2 gene, results from a C to A substitution at nucleotide position 5810. The serine at codon 1937 is replaced by tyrosine, an amino acid with dissimilar properties. This amino acid position is conserved. In addition, this alteration is predicted to be tolerated by in silico analysis. Based on the available evidence, the clinical significance of this variant remains unclear.